The following is an entry in ClinVar:

NM_000455.5(STK11):c.375-19del

Gene: STK11 (serine/threonine kinase 11; plus strand). Cytogenetic location: 19p13.3.
Variant type: Deletion.
Coding change: c.375-19del on transcript NM_000455.5 (MANE Select); 19 bases into the intron before coding-DNA position 375, one base deleted (T; older notation c.375-19delT).
Molecular consequence: intron variant.
Genome position (GRCh38, 1-based): chr19:1,219,305, T deleted. VCF-style (leftmost placement, unchanged base first): chr19-1219304-GT-G. GRCh37 (hg19) VCF-style: chr19-1219303-GT-G.
Identifiers: ClinVar variation 930894 (VCV000930894.3), dbSNP rs2080764943, ClinGen allele CA1139666182.
Genomic context (GRCh38, chr19:1,219,304, plus strand): 5'-AGAGCCCCTTTTCTGGCCCCCGTGCTCCCTGGGCCTGTGAGTGGGGCCGCCCCCTGAGCT[GT>G]GTGTCCTTAGCGCCCCACGTATATGGTGATGGAGTACTGCGTGTGTGGCATGCAGGAAAT-3'

ClinVar aggregate classification (germline): Uncertain significance (1 of 4 stars; one submission).

Conditions:
Carcinoma of pancreas. Also called: Exocrine pancreatic carcinoma; PANCREATIC ACINAR CARCINOMA; PANCREATIC CARCINOMA; Pancreatic cancer, somatic; Pancreatic carcinoma, somatic. Identifiers: Orphanet 1333, Orphanet 217074, MedGen C0235974, MONDO:0005192. Disease mechanism: loss of function.

Submission:

Centre for Mendelian Genomics, University Medical Centre Ljubljana
Classification: Uncertain significance for Familial pancreatic carcinoma. Last evaluated: 2019-12-12. Review status: criteria provided, single submitter. Criteria: ACMG Guidelines, 2015. Collection method: clinical testing. Allele origin: unknown. Affected: yes.
Comment: This variant was classified as: Uncertain significance. The available evidence on this variant's pathogenicity is insufficient or conflicting. The following ACMG criteria were applied in classifying this variant: PM2,BP4.